The following is an entry in ClinVar:

ClinVar aggregate classification (germline): Uncertain significance. Review status: criteria provided, multiple submitters, no conflicts (2 of 4 stars). 3 submissions from 3 submitters: Uncertain significance (3). Last evaluated 2026-02-20.

Conditions:
Hereditary nonpolyposis colorectal neoplasms. Identifiers: MedGen C0009405, MeSH D003123.
Hereditary cancer-predisposing syndrome. Also called: Neoplastic Syndromes, Hereditary; Tumor predisposition; Hereditary Cancer Syndrome; Hereditary neoplastic syndrome. Identifiers: Orphanet 140162, MedGen C0027672, MeSH D009386, MONDO:0015356.

gnomAD v4.1: 1 of 1,613,164 alleles (0.000062%); highest among the groups gnomAD compares: Non-Finnish European, 0.000085%; no homozygotes.

Submissions (3):

Ambry Genetics
Classification: Uncertain significance for Hereditary cancer-predisposing syndrome. Last evaluated: 2026-02-20. Review status: criteria provided, single submitter. Criteria: Ambry Variant Classification Scheme 2023. Collection method: clinical testing. Allele origin: germline.
Comment: The p.T848N variant (also known as c.2543C>A), located in coding exon 4 of the MSH6 gene, results from a C to A substitution at nucleotide position 2543. The threonine at codon 848 is replaced by asparagine, an amino acid with similar properties. This amino acid position is conserved. In addition, this alteration is predicted to be tolerated by in silico analysis. Based on the available evidence, the clinical significance of this variant remains unclear.

Color Diagnostics, LLC DBA Color Health
Classification: Uncertain significance for Hereditary cancer-predisposing syndrome. Last evaluated: 2025-08-14. Review status: criteria provided, single submitter. Criteria: ACMG Guidelines, 2015. Collection method: clinical testing. Allele origin: germline.
Comment: This missense variant replaces threonine with asparagine at codon 848 of the MSH6 protein. Computational prediction suggests that this variant may not impact protein structure and function. To our knowledge, functional studies have not been reported for this variant. This variant has not been reported in individuals affected with MSH6-related disorders in the literature. This variant has not been identified in the general population by the Genome Aggregation Database (gnomAD). The available evidence is insufficient to determine the role of this variant in disease conclusively. Therefore, this variant is classified as a Variant of Uncertain Significance.

Labcorp Genetics (formerly Invitae), Labcorp
Classification: Uncertain significance for Hereditary nonpolyposis colorectal neoplasms. Last evaluated: 2023-06-14. Review status: criteria provided, single submitter. Criteria: Invitae Variant Classification Sherloc (09022015). Collection method: clinical testing. Allele origin: germline.
Comment: In summary, the available evidence is currently insufficient to determine the role of this variant in disease. Therefore, it has been classified as a Variant of Uncertain Significance. Advanced modeling of protein sequence and biophysical properties (such as structural, functional, and spatial information, amino acid conservation, physicochemical variation, residue mobility, and thermodynamic stability) performed at Invitae indicates that this missense variant is not expected to disrupt MSH6 protein function. This variant has not been reported in the literature in individuals affected with MSH6-related conditions. This variant is not present in population databases (gnomAD no frequency). This sequence change replaces threonine, which is neutral and polar, with asparagine, which is neutral and polar, at codon 848 of the MSH6 protein (p.Thr848Asn).

NM_000179.3(MSH6):c.2543C>A (p.Thr848Asn)

Gene: MSH6 (mutS homolog 6; plus strand). Cytogenetic location: 2p16.3.
Variant type: single nucleotide variant.
Coding change: c.2543C>A on transcript NM_000179.3 (MANE Select); coding-DNA position 2543, C replaced by A.
Protein change: p.Thr848Asn; replaces threonine 848 with asparagine.
Molecular consequence: missense variant. On other transcripts: non-coding transcript variant (5), intron variant (3).
Genome position (GRCh38, 1-based): chr2:47,800,526, C>A. VCF-style: chr2-47800526-C-A. GRCh37 (hg19) VCF-style: chr2-48027665-C-A.
Other names: c.2246C>A, p.Thr749Asn (NM_001406821.1, NM_001406822.1, NM_001406824.1 and 10 more transcripts); c.1637C>A, p.Thr546Asn (NM_001406823.1, NM_001406829.1, NM_001406811.1 and 6 more transcripts); c.2375C>A, p.Thr792Asn (NM_001406826.1); c.2549C>A, p.Thr850Asn (NM_001406813.1); c.2308+235C>A (NM_001406803.1); c.1606+937C>A (NM_001406817.1); c.628-140C>A (NM_001407362.1); c.2018C>A, p.Thr673Asn (NM_001406799.1, NM_001406806.1, NM_001406807.1); and 4 more; short protein forms T673N, T792N, T822N, T546N, T718N, T848N, T850N, T880N.
Identifiers: ClinVar variation 3011303 (VCV003011303.5), dbSNP rs1407456778, ClinGen allele CA346754539.
Genomic context (GRCh38, chr2:47,800,526, plus strand): 5'-TTGGGTCTCCCCTGAAGAGTCAGAACCACCCAGACAGCAGGGCTATAATGTATGAAGAAA[C>A]TACATACAGCAAGAAGAAGATTATTGATTTTCTTTCTGCTCTGGAAGGATTCAAAGTAAT-3'
Protein context (NP_000170.1, residues 838-858): PDSRAIMYEE[Thr848Asn]TYSKKKIIDF